The following is an entry in ClinVar:

ClinVar aggregate classification (germline): Uncertain significance (1 of 4 stars; one submission).

Conditions:
DiGeorge syndrome. Also called: Catch22; THIRD AND FOURTH PHARYNGEAL POUCH SYNDROME. Identifiers: Orphanet 567, MedGen C0012236, MONDO:0008564, OMIM 188400.

Submission:

Labcorp Genetics (formerly Invitae), Labcorp
Classification: Uncertain significance for DiGeorge syndrome. Last evaluated: 2023-07-17. Review status: criteria provided, single submitter. Criteria: Invitae Variant Classification Sherloc (09022015). Collection method: clinical testing. Allele origin: germline.
Comment: This sequence change replaces proline, which is neutral and non-polar, with arginine, which is basic and polar, at codon 86 of the TBX1 protein (p.Pro86Arg). This variant is not present in population databases (gnomAD no frequency). This variant has not been reported in the literature in individuals affected with TBX1-related conditions. ClinVar contains an entry for this variant (Variation ID: 855309). Advanced modeling of protein sequence and biophysical properties (such as structural, functional, and spatial information, amino acid conservation, physicochemical variation, residue mobility, and thermodynamic stability) performed at Invitae indicates that this missense variant is not expected to disrupt TBX1 protein function. In summary, the available evidence is currently insufficient to determine the role of this variant in disease. Therefore, it has been classified as a Variant of Uncertain Significance.

NM_001379200.1(TBX1):c.284C>G (p.Pro95Arg)

Gene: TBX1 (T-box transcription factor 1; plus strand). Cytogenetic location: 22q11.21.
Variant type: single nucleotide variant.
Coding change: c.284C>G on transcript NM_001379200.1 (MANE Select); coding-DNA position 284, C replaced by G.
Protein change: p.Pro95Arg; replaces proline 95 with arginine.
Molecular consequence: missense variant.
Genome position (GRCh38, 1-based): chr22:19,761,127, C>G. VCF-style: chr22-19761127-C-G. GRCh37 (hg19) VCF-style: chr22-19748650-C-G.
Other names: c.257C>G, p.Pro86Arg (NM_005992.1, NM_080646.2, NM_080647.1); short protein forms P86R, P95R.
Identifiers: ClinVar variation 855309 (VCV000855309.9), dbSNP rs775295536, ClinGen allele CA410681532.
Genomic context (GRCh38, chr22:19,761,127, plus strand): 5'-CGCCGCACGCCTACCCGTTTGCGCCGGCCGCCGGGGCCGCCACCAGCGCCGCCGCCGAGC[C>G]CGAGGGCCCCGGGGCCAGCTGCGCGGCCGCAGCCAAGGCGCCGGTGAAGAAGAACGCGAA-3'
Protein context (NP_001366129.1, residues 85-105): AGAATSAAAE[Pro95Arg]EGPGASCAAA